The following is an entry in ClinVar:

NM_017934.7(PHIP):c.3985T>C (p.Leu1329=)

Genes: IRAK1BP1 (interleukin 1 receptor associated kinase 1 binding protein 1; plus strand), PHIP (PHIP subunit of CUL4-Ring ligase complex; minus strand). Cytogenetic location: 6q14.1.
Variant type: single nucleotide variant.
Coding change: c.3985T>C on transcript NM_017934.7 (MANE Select); coding-DNA position 3985, T replaced by C.
Protein change: p.Leu1329=; no amino-acid change (leucine 1329 retained).
Molecular consequence: synonymous variant.
Genome position (GRCh38, 1-based): chr6:78,954,882, A>G on the plus strand (T>C on the coding strand, the complement: PHIP is on the minus strand). VCF-style: chr6-78954882-A-G. GRCh37 (hg19) VCF-style: chr6-79664599-A-G.
Identifiers: ClinVar variation 3354925 (VCV003354925.1).

ClinVar aggregate classification (germline): Likely benign (0 of 4 stars; one submission).

Conditions:
PHIP-related disorder. Also called: PHIP-related condition; PHIP-related disorders.

Submission:

PreventionGenetics, part of Exact Sciences
Classification: Likely benign for PHIP-related condition. Last evaluated: 2021-10-18. Review status: no assertion criteria provided. Collection method: clinical testing. Allele origin: germline.
Comment: This variant is classified as likely benign based on ACMG/AMP sequence variant interpretation guidelines (Richards et al. 2015 PMID: 25741868, with internal and published modifications).